The following is an entry in ClinVar:

ClinVar aggregate classification (germline): Benign/Likely benign. Review status: criteria provided, multiple submitters, no conflicts (2 of 4 stars). 3 submissions from 3 submitters: Benign (1); Likely benign (2). Last evaluated 2023-04-17.

Conditions:
Cerebral arteriopathy, autosomal dominant, with subcortical infarcts and leukoencephalopathy, type 1 (CADASIL1). Also called: DEMENTIA, HEREDITARY MULTIINFARCT TYPE; CADASIL 1; CASIL; Cerebral arteriopathy with subcortical infarcts and leukoencephalopathy 1. Identifiers: Orphanet 136, MedGen C4551768, MONDO:0000914, OMIM 125310.

Allele frequency attached by ClinVar (database versions not stated): gnomAD exomes 0.00001 and 0.00008; TOPMed 0.00001; gnomAD 0.00003 and 0.00005; ExAC 0.00006; 1000 Genomes Project 30x 0.00047; 1000 Genomes Project 0.00060.

Submissions (3):

Blueprint Genetics
Classification: Likely benign. Last evaluated: 2023-04-17. Review status: criteria provided, single submitter. Criteria: ACMG Guidelines, 2015. Collection method: clinical testing. Allele origin: germline.

Labcorp Genetics (formerly Invitae), Labcorp
Classification: Benign. Last evaluated: 2022-09-01. Review status: criteria provided, single submitter. Criteria: Invitae Variant Classification Sherloc (09022015). Collection method: clinical testing. Allele origin: germline.

Illumina Laboratory Services, Illumina
Classification: Likely benign for Cerebral arteriopathy, autosomal dominant, with subcortical infarcts and leukoencephalopathy, type 1. Last evaluated: 2018-01-12. Review status: criteria provided, single submitter. Criteria: ICSL Variant Classification Criteria 13 December 2019. Collection method: clinical testing. Allele origin: germline.
Comment: This variant was observed in the ICSL laboratory as part of a predisposition screen in an ostensibly healthy population. It had not been previously curated by ICSL or reported in the Human Gene Mutation Database (HGMD: prior to June 1st, 2018), and was therefore a candidate for classification through an automated scoring system. Utilizing variant allele frequency, disease prevalence and penetrance estimates, and inheritance mode, an automated score was calculated to assess if this variant is too frequent to cause the disease. Based on the score and internal cut-off values, a variant classified as likely benign is not then subjected to further curation. The score for this variant resulted in a classification of likely benign for this disease.

NM_000435.3(NOTCH3):c.1692C>T (p.Ala564=)

Gene: NOTCH3 (notch receptor 3; minus strand). Cytogenetic location: 19p13.12.
Variant type: single nucleotide variant.
Coding change: c.1692C>T on transcript NM_000435.3 (MANE Select); coding-DNA position 1692, C replaced by T.
Protein change: p.Ala564=; no amino-acid change (alanine 564 retained).
Molecular consequence: synonymous variant.
Genome position (GRCh38, 1-based): chr19:15,187,253, G>A on the plus strand (C>T on the coding strand, the complement: NOTCH3 is on the minus strand). VCF-style: chr19-15187253-G-A. GRCh37 (hg19) VCF-style: chr19-15298064-G-A.
Identifiers: ClinVar variation 890874 (VCV000890874.12), dbSNP rs372158498, ClinGen allele CA9263575.
Genomic context (GRCh38, chr19:15,187,253, plus strand): 5'-GTCCACCTGGCTCTCGCAGCGTGTGCCCGTGTAGCCAGGAGCACAGGCACATGAGAAGCT[G>A]GCGATGCCATCCACGCAGCGACCATGGTGGCATGGGTCAGGGGAGCAGTCGTCCACGTTG-3'
Protein context (NP_000426.2, residues 554-574): CHHGRCVDGI[Ala564=]SFSCACAPGY